The following is an entry in ClinVar:

ClinVar aggregate classification (germline): Uncertain significance. Review status: criteria provided, multiple submitters, no conflicts (2 of 4 stars). 2 submissions from 2 submitters: Uncertain significance (2). Last evaluated 2025-01-27.

Conditions:
Joubert syndrome. Also called: CEREBELLOPARENCHYMAL DISORDER IV; JOUBERT-BOLTSHAUSER SYNDROME; Familial aplasia of the vermis. Identifiers: Orphanet 475, MedGen C5979921, MONDO:0018772.
Meckel-Gruber syndrome. Also called: DYSENCEPHALIA SPLANCHNOCYSTICA; GRUBER SYNDROME; Dysencephalia splachnocystica. Identifiers: Orphanet 564, MedGen C0265215, MONDO:0018921.
Joubert syndrome 24 (JBTS24). Identifiers: Orphanet 475, MedGen C4084841, MONDO:0014724, OMIM 616654.
Meckel syndrome, type 8. Identifiers: Orphanet 564, MedGen C3836857, MONDO:0013482, OMIM 613885.

Allele frequency attached by ClinVar (database versions not stated): gnomAD 0.00003; gnomAD exomes 0.00003 and 0.00004; 1000 Genomes Project 30x 0.00016; 1000 Genomes Project 0.00020; ExAC 0.00002.
gnomAD v4.1: 69 of 1,614,044 alleles (0.0043%); highest among the groups gnomAD compares: Middle Eastern, 0.099%; no homozygotes.

Submissions (2):

Labcorp Genetics (formerly Invitae), Labcorp
Classification: Uncertain significance for Joubert syndrome; Meckel-Gruber syndrome. Last evaluated: 2025-01-27. Review status: criteria provided, single submitter. Criteria: Invitae Variant Classification Sherloc (09022015). Collection method: clinical testing. Allele origin: germline.
Comment: This sequence change replaces leucine, which is neutral and non-polar, with valine, which is neutral and non-polar, at codon 664 of the TCTN2 protein (p.Leu664Val). This variant is present in population databases (rs554299771, gnomAD 0.007%). This variant has not been reported in the literature in individuals affected with TCTN2-related conditions. ClinVar contains an entry for this variant (Variation ID: 1429343). Invitae Evidence Modeling of protein sequence and biophysical properties (such as structural, functional, and spatial information, amino acid conservation, physicochemical variation, residue mobility, and thermodynamic stability) indicates that this missense variant is not expected to disrupt TCTN2 protein function with a negative predictive value of 80%. In summary, the available evidence is currently insufficient to determine the role of this variant in disease. Therefore, it has been classified as a Variant of Uncertain Significance.

Fulgent Genetics
Classification: Uncertain significance for Meckel syndrome, type 8; Joubert syndrome 24. Last evaluated: 2024-04-02. Review status: criteria provided, single submitter. Criteria: ACMG Guidelines, 2015. Collection method: clinical testing. Allele origin: germline.

NM_024809.5(TCTN2):c.1990C>G (p.Leu664Val)

Gene: TCTN2 (tectonic family member 2; plus strand). Cytogenetic location: 12q24.31.
Variant type: single nucleotide variant.
Coding change: c.1990C>G on transcript NM_024809.5 (MANE Select); coding-DNA position 1990, C replaced by G.
Protein change: p.Leu664Val; replaces leucine 664 with valine.
Molecular consequence: missense variant.
Genome position (GRCh38, 1-based): chr12:123,707,609, C>G. VCF-style: chr12-123707609-C-G. GRCh37 (hg19) VCF-style: chr12-124192156-C-G.
Other names: c.1987C>G, p.Leu663Val (NM_001143850.3); short protein forms L664V, L663V.
Identifiers: ClinVar variation 1429343 (VCV001429343.5), dbSNP rs554299771, ClinGen allele CA6861417.